The following is an entry in ClinVar:

ClinVar aggregate classification (germline): Likely benign (0 of 4 stars; one submission).

Conditions:
H19-related disorder. Also called: H19-related condition.

Allele frequency attached by ClinVar (database versions not stated): 1000 Genomes Project 0.00100; ExAC 0.00108.

Submission:

PreventionGenetics, part of Exact Sciences
Classification: Likely benign for H19-related condition. Last evaluated: 2019-04-24. Review status: no assertion criteria provided. Collection method: clinical testing. Allele origin: germline.
Comment: This variant is classified as likely benign based on ACMG/AMP sequence variant interpretation guidelines (Richards et al. 2015 PMID: 25741868, with internal and published modifications).

NR_002196.3(H19):n.2064G>A

Genes: H19 (H19 imprinted maternally expressed transcript; minus strand), HOTS (H19 opposite tumor suppressor; plus strand), MRPL23 (mitochondrial ribosomal protein L23; plus strand). Cytogenetic location: 11p15.5.
Variant type: single nucleotide variant.
Molecular consequence: non-coding transcript variant (on NR_002196.3). On other transcripts: intron variant (1).
Genome position: GRCh38 VCF-style: chr11-1995427-C-T. GRCh37 (hg19) VCF-style: chr11-2016657-C-T.
Other names: c.498-16114C>T (NM_001400176.1).
Identifiers: ClinVar variation 3045472 (VCV003045472.2), dbSNP rs72556550, ClinGen allele CA5817151.
Genomic context (GRCh38, chr11:1,995,427, plus strand): 5'-ATGGAGGGCGGCCGGGCCCTGCACAGGCACTTGCCAAGGTGGCTCACACTCACGCACACT[C>T]GTACTGAGACTCAAGGCCGTCTCCACAACTCCAACCAGTGCAAATGACTTAGTGCAAATT-3'